The following is an entry in ClinVar:

NM_001378328.1(CELSR1):c.5140dup (p.Tyr1714fs)

Gene: CELSR1 (cadherin EGF LAG seven-pass G-type receptor 1; minus strand). Cytogenetic location: 22q13.31.
Variant type: Duplication.
Coding change: c.5140dup on transcript NM_001378328.1 (MANE Select); coding-DNA position 5140, one base duplicated (T; older notation c.5140dupT).
Protein change: p.Tyr1714fs; shifts the reading frame from tyrosine 1714.
Molecular consequence: frameshift variant.
Genome position (GRCh38, 1-based): chr22:46,409,082, A duplicated on the plus strand (T on the coding strand, the reverse complement: CELSR1 is on the minus strand). VCF-style (leftmost placement, unchanged base first): chr22-46409081-T-TA. GRCh37 (hg19) VCF-style: chr22-46804978-T-TA.
Other names: c.5140dup, p.Tyr1714fs (NM_014246.4); short protein forms Y1714fs.
Identifiers: ClinVar variation 2430707 (VCV002430707.1), dbSNP rs2518128156, ClinGen allele CA2580099893.
Genomic context (GRCh38, chr22:46,409,081, plus strand): 5'-CCACTGGTGGCCTCCATCAGAACGCTGTCCTCCTTCCGGGTCCGGAACATGAGCCCCAGG[T>TA]ACCAGGGCACAGAGATGATGATGTTCAGGTCACTCCAGGACACGACGCTCTCACCGCTGA-3'

ClinVar aggregate classification (germline): Uncertain significance (1 of 4 stars; one submission).

Submission:

GeneDx
Classification: Uncertain significance. Last evaluated: 2022-08-25. Review status: criteria provided, single submitter. Criteria: GeneDx Variant Classification Process June 2021. Collection method: clinical testing. Allele origin: germline. Affected: yes.
Comment: Not observed at significant frequency in large population cohorts (gnomAD); Frameshift variant predicted to result in protein truncation or nonsense mediated decay in a gene or region of a gene for which loss of function is not a well-established mechanism of disease; Has not been previously published as pathogenic or benign to our knowledge